The following is an entry in ClinVar:

NM_022765.4(MICAL1):c.2044_2045del (p.Leu682fs)

Gene: MICAL1 (microtubule associated monooxygenase, calponin and LIM domain containing 1; minus strand). Cytogenetic location: 6q21.
Variant type: Deletion.
Coding change: c.2044_2045del on transcript NM_022765.4 (MANE Select); coding-DNA positions 2044 to 2045, 2 bases deleted (CT; older notation c.2044_2045delCT).
Protein change: p.Leu682fs; shifts the reading frame from leucine 682.
Molecular consequence: frameshift variant.
Genome position (GRCh38, 1-based): chr6:109,447,382-109,447,383, AG deleted on the plus strand (CT on the coding strand, the reverse complement: MICAL1 is on the minus strand). VCF-style (leftmost placement, unchanged base first): chr6-109447381-CAG-C. GRCh37 (hg19) VCF-style: chr6-109768584-CAG-C.
Other names: c.1786_1787del, p.Leu596fs (NM_001159291.2); c.2101_2102del, p.Leu701fs (NM_001286613.2); c.2101_2102delCT (NM_001286613.1); short protein forms L596fs, L682fs, L701fs.
Identifiers: ClinVar variation 1595576 (VCV001595576.9), dbSNP rs770534326, ClinGen allele CA3953097.

ClinVar aggregate classification (germline): Likely benign. Review status: criteria provided, multiple submitters, no conflicts (2 of 4 stars). 2 submissions from 2 submitters: Likely benign (2). Last evaluated 2026-09-23.

Conditions:
MICAL1-related condition.

Allele frequency attached by ClinVar (database versions not stated): gnomAD exomes 0.00013 and 0.00021; gnomAD 0.00018 and 0.00020; ExAC 0.00022; TOPMed 0.00035; 1000 Genomes Project 30x 0.00047.

Submissions (2):

PreventionGenetics, part of Exact Sciences
Classification: Likely benign for MICAL1-related condition. Last evaluated: 2026-09-23. Review status: criteria provided, single submitter. Criteria: ACMG Guidelines, 2015. Collection method: clinical testing. Allele origin: germline.
Comment: This variant is classified as likely benign based on ACMG/AMP sequence variant interpretation guidelines (Richards et al. 2015 PMID: 25741868, with internal and published modifications).

Labcorp Genetics (formerly Invitae), Labcorp
Classification: Likely benign. Last evaluated: 2025-09-27. Review status: criteria provided, single submitter. Criteria: Invitae Variant Classification Sherloc (09022015). Collection method: clinical testing. Allele origin: germline.